The following is an entry in ClinVar:

ClinVar aggregate classification (germline): Pathogenic/Likely pathogenic. Review status: criteria provided, multiple submitters, no conflicts (2 of 4 stars). 10 submissions from 10 submitters: Pathogenic (3); Likely pathogenic (4). 3 of the submissions do not count toward it. Last evaluated 2025-02-24.

Conditions:
Hereditary breast ovarian cancer syndrome. Also called: Hereditary breast and ovarian cancer syndrome; Hereditary breast and ovarian cancer; Hereditary breast and ovarian cancer syndrome (HBOC); Breast and ovarian cancer; Hereditary breast and/or ovarian cancer syndrome; BRCA1- and BRCA2-Associated Hereditary Breast and Ovarian Cancer. Identifiers: Orphanet 145, MedGen C0677776, MeSH D061325, MONDO:0003582. Disease mechanism: loss of function.
Hereditary cancer-predisposing syndrome. Also called: Neoplastic Syndromes, Hereditary; Tumor predisposition; Hereditary neoplastic syndrome; Hereditary Cancer Syndrome. Identifiers: Orphanet 140162, MedGen C0027672, MeSH D009386, MONDO:0015356.
Breast-ovarian cancer, familial, susceptibility to, 2 (BROVCA2). Also called: BRCA2 Hereditary Breast and Ovarian Cancer. Identifiers: Orphanet 145, MedGen C2675520, MONDO:0012933, OMIM 612555. Disease mechanism: loss of function.

Allele frequency attached by ClinVar (database versions not stated): gnomAD exomes below 0.00001.
gnomAD v4.1: 2 of 1,614,010 alleles (0.00012%); highest among the groups gnomAD compares: Admixed American, 0.0017%; no homozygotes.

Submissions (10):

Ambry Genetics
Classification: Pathogenic for Hereditary cancer-predisposing syndrome. Last evaluated: 2025-02-24. Review status: criteria provided, single submitter. Criteria: Ambry Variant Classification Scheme 2023. Collection method: clinical testing. Allele origin: germline.
Comment: The c.8754G>A pathogenic variant (also known as p.E2918E), located in coding exon 20 of the BRCA2 gene, results from a G to A substitution at nucleotide position 8754. This nucleotide substitution does not change the glutamic acid at codon 2918. However, this change occurs in the last base pair of coding exon 20, which makes it likely to have some effect on normal mRNA splicing. This alteration has been reported in numerous breast cancer cohorts (Finkelman BS et al. J. Clin. Oncol., 2012 Apr;30:1321-8; Kaur RP et al. Med. Oncol., 2018 Apr;35:81; Rebbeck TR et al. Hum. Mutat., 2018 05;39:593-620; Millan Catalan O et al. Cancers (Basel), 2019 Aug;11:). Multiple different RNA studies have demonstrated that this alteration results in abnormal splicing in the set of samples tested (Ambry internal data; Acedo A et al. Hum. Mutat., 2015 Feb;36:210-21). In addition, many other non-canonical splice alterations have been identified at this donor site and are also known to lead to a complete aberrant splice defect (Colombo M et al. PLoS One, 2013 Feb;8:e57173; Brand&atilde;o RD et al. Breast Cancer Res Treat, 2011 Oct;129:971-82; Wangensteen T et al. Hered Cancer Clin Pract, 2019 May;17:14; Bonatti F et al. Cancer Genet Cytogenet, 2006 Oct;170:93-101; Houdayer C et al. Hum Mutat, 2012 Aug;33:1228-38; Acedo A et al. Hum Mutat, 2015 Feb;36:210-21; Hendriks G et al. Hum Mutat, 2014 Nov;35:1382-91). This nucleotide position is highly conserved in available vertebrate species. In silico splice site analysis predicts that this alteration will weaken the native splice donor site and will result in the creation or strengthening of a novel splice donor site. Based on the supporting evidence, this alteration is interpreted as a disease-causing mutation.

Labcorp Genetics (formerly Invitae), Labcorp
Classification: Pathogenic for Hereditary breast ovarian cancer syndrome. Last evaluated: 2025-02-18. Review status: criteria provided, single submitter. Criteria: Invitae Variant Classification Sherloc (09022015). Collection method: clinical testing. Allele origin: germline.
Comment: This sequence change affects codon 2918 of the BRCA2 mRNA. It is a 'silent' change, meaning that it does not change the encoded amino acid sequence of the BRCA2 protein. RNA analysis indicates that this variant induces altered splicing and may result in an absent or altered protein product. This variant is present in population databases (rs80359803, gnomAD 0.003%). This variant has been observed in individual(s) with breast and/or ovarian cancer (PMID: 22430266, 24145998, 29700634, 31454914). This variant is also known as E2918E. ClinVar contains an entry for this variant (Variation ID: 52671). Variants that disrupt the consensus splice site are a relatively common cause of aberrant splicing (PMID: 17576681, 9536098). Studies have shown that this variant alters mRNA splicing and is expected to lead to the loss of protein expression (PMID: 25382762; internal data). For these reasons, this variant has been classified as Pathogenic.

Laboratory for Molecular Medicine, Mass General Brigham Personalized Medicine
Classification: Likely pathogenic for Hereditary breast ovarian cancer syndrome. Last evaluated: 2023-05-15. Review status: criteria provided, single submitter. Criteria: ACMG Guidelines, 2015. Collection method: clinical testing. Allele origin: germline. Inheritance: Autosomal dominant inheritance.
Comment: The p.Glu2918Glu variant in BRCA2 has been reported in at least 13 individuals with BRCA2-associated cancers, including at least 1 male with breast cancer, and segregated with disease in 2 affected relatives from 1 family (Kaur 2018 PMID: 29700634, Millan Catalan 2019 PMID: 31454914, Bapat 2021 medRxiv 2021.07.01.21258680; doi: DOI 10.1101/2021.07.01.21258680). This variant has also been reported by other clinical laboratories in ClinVar (Variation ID 52671) and was absent from large population studies. Although it is a synonymous (silent) variant, it is located in the last three bases of the exon, which is part of the 5’ splice region. Computational tools predict a splicing impact, which is corroborated by an in vitro minigene assay that indicates that this synonymous change disrupts normal splicing and results in an aberrant transcript that is subjected to nonsense-mediated decay (Acedo 2015 PMID: 25382762). In summary, although additional studies are required to fully establish its clinical significance, this variant meets criteria to be classified as likely pathogenic for autosomal dominant hereditary breast and ovarian cancer (HBOC). ACMG/AMP Criteria applied: PS4, PM2_Supporting, PP3, PS3_Supporting.

Women's Health and Genetics/Laboratory Corporation of America, LabCorp
Classification: Likely pathogenic for Hereditary breast ovarian cancer syndrome. Last evaluated: 2022-12-15. Review status: criteria provided, single submitter. Criteria: LabCorp Variant Classification Summary - May 2015. Collection method: clinical testing. Allele origin: germline.
Comment: Variant summary: BRCA2 c.8754G>A (p.Glu2918Glu) alters the conserved last nucleotide of exon 21 and therefore could affect mRNA splicing, leading to a significantly altered protein sequence. Several computational tools predict a significant impact on normal splicing: Two predict the variant abolishes a 5' splicing donor site. Two predict the variant weakens a 5' donor site. At least one publication reports experimental evidence that this variant affects mRNA splicing, leading to a shift in the reading frame (Acedo_2015). The variant allele was found at a frequency of 4e-06 in 250952 control chromosomes. c.8754G>A has been reported in the literature in individuals affected with Hereditary Breast And Ovarian Cancer Syndrome (examples: Sambiasi_2014 Kaur_2018, Rebbeck_2018, Finkelman_2012). These data indicate that the variant is likely to be associated with disease. Five clinical diagnostic laboratories have submitted clinical-significance assessments for this variant to ClinVar after 2014 without evidence for independent evaluation. All laboratories classified the variant as pathogenic/likely pathogenic. Based on the evidence outlined above, the variant was classified as likely pathogenic.

Quest Diagnostics Nichols Institute San Juan Capistrano
Classification: Likely pathogenic. Last evaluated: 2022-10-27. Review status: criteria provided, single submitter. Criteria: Quest Diagnostics criteria. Collection method: clinical testing. Allele origin: unknown.
Comment: This variant disrupts a canonical splice-donor site and interferes with normal BRCA2 mRNA splicing. The frequency of this variant in the general population, 0.000004 (1/250952 chromosomes), is consistent with pathogenicity. In the published literature, the variant has been reported in individuals affected with breast cancer (PMID: 29700634 (2018), 31454914 (2019)). It was also identified in individuals at-risk for breast/ovarian cancer (PMID: 22430266 (2012), 29446198 (2018)). Additionally, the authors of an in vitro minigene study observed that the variant abrogated the splice site completely and inserted noncoding sequence from the intron, including a premature stop codon, into the mRNA (PMID: 25382762 (2015)). Based on the available information, this variant is classified as pathogenic.

GeneDx
Classification: Likely pathogenic. Last evaluated: 2017-07-13. Review status: criteria provided, single submitter. Criteria: GeneDx Variant Classification (06012015). Collection method: clinical testing. Allele origin: germline. Affected: yes.
Comment: This variant is denoted BRCA2 c.8754G>A at the DNA level. Although the variant is silent at the codinglevel, preserving a Glutamic Acid at codon 2918, it has been demonstrated to cause abnormal splicing. Located at thelast nucleotide of exon 21, it disrupts a natural splice donor site and was found to cause abnormal splicing wheninterrogated via minigene assay (Acedo 2014). This variant, also reported as BRCA2 8982G>A using alternatenomenclature, has been published in at least one individual reported to have Hereditary Breast and Ovarian Cancersyndrome (Finkelman 2012). In addition, nearby variants found to cause the same impact on splicing have beenreported in association with Hereditary Breast and Ovarian Cancer (BrandÃ£o 2011). BRCA2 c.8754G>A was notobserved in large population cohorts (NHLBI Exome Sequencing Project, The 1000 Genomes Consortium 2015, Lek2016). The nucleotide which is altered, a guanine (G) at base 8754, is conserved across species. Based on currentlyavailable information, we consider BRCA2 c.8754G>A to be likely pathogenic

Consortium of Investigators of Modifiers of BRCA1/2 (CIMBA), c/o University of Cambridge
Classification: Pathogenic for Breast-ovarian cancer, familial, susceptibility to, 2. Last evaluated: 2015-10-02. Review status: criteria provided, single submitter. Criteria: CIMBA Mutation Classification guidelines May 2016. Collection method: clinical testing. Allele origin: germline.

Research Molecular Genetics Laboratory, Women's College Hospital, University of Toronto
Classification: Pathogenic for Hereditary breast ovarian cancer syndrome. Last evaluated: 2014-01-31. Review status: no assertion criteria provided. Collection method: research. Allele origin: germline. Affected: yes. Study: The Canadian Open Genetics Repository (COGR). Not counted in ClinVar's aggregate classification.

Sharing Clinical Reports Project (SCRP)
Classification: Pathogenic for Breast-ovarian cancer, familial 2. Last evaluated: 2010-04-15. Review status: no assertion criteria provided. Collection method: clinical testing. Allele origin: germline. Not counted in ClinVar's aggregate classification.

Breast Cancer Information Core (BIC) (BRCA2)
Classification: Pathogenic for Breast-ovarian cancer, familial 2. Last evaluated: 2000-11-10. Review status: no assertion criteria provided. Collection method: clinical testing. Allele origin: germline. Affected: yes. Observed: 1 variant allele. Not counted in ClinVar's aggregate classification.

Literature cited by the submitters: PubMed 17011978 (cited by Ambry Genetics); PubMed 18693280 (cited by Ambry Genetics); PubMed 21638052 (cited by Ambry Genetics); PubMed 22430266 (cited by 4 submitters); PubMed 22505045 (cited by Ambry Genetics); PubMed 23451180 (cited by Ambry Genetics); PubMed 25146914 (cited by Ambry Genetics); PubMed 25382762 (cited by 5 submitters); PubMed 29446198 (cited by 3 submitters); PubMed 29700634 (cited by 5 submitters); PubMed 31143303 (cited by Ambry Genetics); PubMed 31454914 (cited by 4 submitters); PubMed 24145998 (cited by Labcorp Genetics (formerly Invitae), Labcorp and Women's Health and Genetics/Laboratory Corporation of America, LabCorp); PubMed 17576681 (cited by Labcorp Genetics (formerly Invitae), Labcorp); PubMed 9536098 (cited by Labcorp Genetics (formerly Invitae), Labcorp); PubMed 28152038 (cited by Quest Diagnostics Nichols Institute San Juan Capistrano).

NM_000059.4(BRCA2):c.8754G>A (p.Glu2918=)

Gene: BRCA2 (BRCA2 DNA repair associated; plus strand). Cytogenetic location: 13q13.1.
Variant type: single nucleotide variant.
Coding change: c.8754G>A on transcript NM_000059.4 (MANE Select); coding-DNA position 8754, G replaced by A.
Protein change: p.Glu2918=; no amino-acid change (glutamic acid 2918 retained).
Molecular consequence: synonymous variant.
Genome position (GRCh38, 1-based): chr13:32,376,791, G>A. VCF-style: chr13-32376791-G-A. GRCh37 (hg19) VCF-style: chr13-32950928-G-A.
Other names: E2918E; 8982G>A.
Identifiers: ClinVar variation 52671 (VCV000052671.22), dbSNP rs80359803, ClinGen allele CA025809.